The following is an entry in ClinVar:

NM_001370259.2(MEN1):c.944A>T (p.Asp315Val)

Gene: MEN1 (menin 1; minus strand). Cytogenetic location: 11q13.1.
Variant type: single nucleotide variant.
Coding change: c.944A>T on transcript NM_001370259.2 (MANE Select); coding-DNA position 944, A replaced by T.
Protein change: p.Asp315Val; replaces aspartic acid 315 with valine.
Molecular consequence: missense variant.
Genome position (GRCh38, 1-based): chr11:64,806,337, T>A on the plus strand (A>T on the coding strand, the complement: MEN1 is on the minus strand). VCF-style: chr11-64806337-T-A. GRCh37 (hg19) VCF-style: chr11-64573809-T-A.
Other names: c.959A>T, p.Asp320Val (NM_000244.4, NM_130800.3, NM_130801.3 and 3 more transcripts); c.944A>T, p.Asp315Val (NM_001370251.2, NM_001370260.2, NM_001370261.2 and 1 more transcripts); c.839A>T, p.Asp280Val (NM_001370262.2, NM_001370263.2); short protein forms D315V, D320V, D280V.
Identifiers: ClinVar variation 428023 (VCV000428023.4), dbSNP rs1114167487, ClinGen allele CA381183398.

ClinVar aggregate classification (germline): Uncertain significance (1 of 4 stars; one submission).

Conditions:
Hereditary cancer-predisposing syndrome. Also called: Hereditary Cancer Syndrome; Neoplastic Syndromes, Hereditary; Hereditary neoplastic syndrome; Tumor predisposition. Identifiers: Orphanet 140162, MedGen C0027672, MeSH D009386, MONDO:0015356.

Submission:

Ambry Genetics
Classification: Uncertain significance for Hereditary cancer-predisposing syndrome. Last evaluated: 2013-08-12. Review status: criteria provided, single submitter. Criteria: Ambry Autosomal Dominant and X-Linked criteria (10/2015). Collection method: clinical testing. Allele origin: germline. Observed: 1 variant allele.
Comment: Ã¢â‚¬â€¹The p.D315V variant (also known as c.944A>T) is located in coding exon 6 of the MEN1 gene. This alteration results from an A to T substitution at nucleotide position 944. The aspartate at codon 315 is replaced by valine, an amino acid with dissimilar properties. This variant was not reported in population-based cohorts in the following databases: Database of Single Nucleotide Polymorphisms (dbSNP), NHLBI Exome Sequencing Project (ESP) and 1000 Genomes Project. Based on protein sequence alignment, this amino acid position is highly conserved in available higher vertebrate species. In addition, this alteration is predicted to be deleterious by in silico analysis. Another alteration at the same codon, p.D315Y, has been reported as a MEN1 mutation in multiple affected families (Ellard et al. Clin Endocrinol (Oxf). 2005 Feb;62(2):169-75; White et al. QJM. 2010 May;103(5):337-45). Since supporting evidence is limited at this time, the clinical significance of p.D315V remains unclear.